The following is an entry in ClinVar:

NM_177438.3(DICER1):c.267C>G (p.Phe89Leu)

Gene: DICER1 (dicer 1, ribonuclease III; minus strand). Cytogenetic location: 14q32.13.
Variant type: single nucleotide variant.
Coding change: c.267C>G on transcript NM_177438.3 (MANE Select); coding-DNA position 267, C replaced by G.
Protein change: p.Phe89Leu; replaces phenylalanine 89 with leucine.
Molecular consequence: missense variant.
Genome position (GRCh38, 1-based): chr14:95,132,555, G>C on the plus strand (C>G on the coding strand, the complement: DICER1 is on the minus strand). VCF-style: chr14-95132555-G-C. GRCh37 (hg19) VCF-style: chr14-95598892-G-C.
Other names: c.267C>G, p.Phe89Leu (NM_001195573.1, NM_001271282.3, NM_001291628.2 and 1 more transcripts); short protein forms F89L.
Identifiers: ClinVar variation 638911 (VCV000638911.15), dbSNP rs1595465990, ClinGen allele CA390889751.
Genomic context (GRCh38, chr14:95,132,555, plus strand): 5'-ATAAAATAATTTTTTATTACCAGAGTTGACCAAGAACACCGTCCTTTTTCCATTTCTGCT[G>C]AAGTCTCCCCTGATCTGATAGGACAGCTCTTTAGTGAGTAGTACTGCAATAAATGTCTTC-3'
Protein context (NP_803187.1, residues 79-99): KELSYQIRGD[Phe89Leu]SRNGKRTVFL

ClinVar aggregate classification (germline): Conflicting classifications of pathogenicity. Review status: criteria provided, conflicting classifications (1 of 4 stars). 4 submissions from 4 submitters: Uncertain significance (3); Likely benign (1). Last evaluated 2025-07-23.

Conditions:
Hereditary cancer-predisposing syndrome. Also called: Hereditary Cancer Syndrome; Neoplastic Syndromes, Hereditary; Tumor predisposition; Hereditary neoplastic syndrome. Identifiers: Orphanet 140162, MedGen C0027672, MeSH D009386, MONDO:0015356.
Global developmental delay - lung cysts - overgrowth - Wilms tumor syndrome. Also called: GLOBAL DEVELOPMENTAL DELAY, LUNG CYSTS, OVERGROWTH, AND WILMS TUMOR; GLOW Syndrome. Identifiers: Orphanet 404476, MedGen C4748924, MONDO:0018445, OMIM 618272.
DICER1-related tumor predisposition. Also called: DICER1-related pleuropulmonary blastoma cancer predisposition syndrome; DICER1 syndrome. Identifiers: Orphanet 284343, MedGen C3839822, MONDO:0100216.

Allele frequency attached by ClinVar (database versions not stated): gnomAD exomes below 0.00001.
gnomAD v4.1: 1 of 1,613,950 alleles (0.000062%); highest among the groups gnomAD compares: Non-Finnish European, 0.000085%; no homozygotes.

Submissions (4):

Labcorp Genetics (formerly Invitae), Labcorp
Classification: Uncertain significance for DICER1-related tumor predisposition. Last evaluated: 2025-07-23. Review status: criteria provided, single submitter. Criteria: Invitae Variant Classification Sherloc (09022015). Collection method: clinical testing. Allele origin: germline.
Comment: This sequence change replaces phenylalanine, which is neutral and non-polar, with leucine, which is neutral and non-polar, at codon 89 of the DICER1 protein (p.Phe89Leu). This variant is not present in population databases (gnomAD no frequency). This variant has not been reported in the literature in individuals affected with DICER1-related conditions. ClinVar contains an entry for this variant (Variation ID: 638911). Invitae Evidence Modeling of protein sequence and biophysical properties (such as structural, functional, and spatial information, amino acid conservation, physicochemical variation, residue mobility, and thermodynamic stability) indicates that this missense variant is not expected to disrupt DICER1 protein function with a negative predictive value of 95%. In summary, the available evidence is currently insufficient to determine the role of this variant in disease. Therefore, it has been classified as a Variant of Uncertain Significance.

Ambry Genetics
Classification: Likely benign for Hereditary cancer-predisposing syndrome. Last evaluated: 2024-03-22. Review status: criteria provided, single submitter. Criteria: Ambry Variant Classification Scheme 2023. Collection method: clinical testing. Allele origin: germline.

Baylor Genetics
Classification: Uncertain significance for Global developmental delay - lung cysts - overgrowth - Wilms tumor syndrome. Last evaluated: 2023-06-02. Review status: criteria provided, single submitter. Criteria: ACMG Guidelines, 2015. Collection method: clinical testing. Allele origin: unknown.

Quest Diagnostics Nichols Institute San Juan Capistrano
Classification: Uncertain significance. Last evaluated: 2023-01-26. Review status: criteria provided, single submitter. Criteria: Quest Diagnostics criteria. Collection method: clinical testing. Allele origin: unknown.
Comment: The variant has not been reported in the published literature. It also has not been reported in large, multi-ethnic general populations. Analysis of this variant using bioinformatics tools for the prediction of the effect of amino acid changes on protein structure and function yielded predictions that this variant is benign. Based on the available information, we are unable to determine the clinical significance of this variant.